The following is an entry in ClinVar:

NM_015662.3(IFT172):c.5201T>C (p.Ile1734Thr)

Genes: IFT172 (intraflagellar transport 172; minus strand), KRTCAP3 (keratinocyte associated protein 3; plus strand). Cytogenetic location: 2p23.3.
Variant type: single nucleotide variant.
Coding change: c.5201T>C on transcript NM_015662.3 (MANE Select); coding-DNA position 5201, T replaced by C.
Protein change: p.Ile1734Thr; replaces isoleucine 1734 with threonine.
Molecular consequence: missense variant. On other transcripts: intron variant (1).
Genome position (GRCh38, 1-based): chr2:27,444,481, A>G on the plus strand (T>C on the coding strand, the complement: IFT172 is on the minus strand). VCF-style: chr2-27444481-A-G. GRCh37 (hg19) VCF-style: chr2-27667348-A-G.
Other names: c.5135T>C, p.Ile1712Thr (NM_001410739.1); c.*5+420A>G (NM_001168364.2); short protein forms I1712T, I1734T.
Identifiers: ClinVar variation 4999417 (VCV004999417.1).
Genomic context (GRCh38, chr2:27,444,481, plus strand): 5'-AGCTCTACCAACTACTGAAAGGAAAAGCTGGTGCTGGGGAGCCCTCCACACCACTGACTG[A>G]TGAATTTCAGCACGTCCTGGCACACTGGGCTGTGGGAGGTCTGTGAGCAAATGGAAGAAC-3'
Protein context (NP_056477.1, residues 1724-1744): SPVCQDVLKF[Ile1734Thr]SQWCGGLPST

ClinVar aggregate classification (germline): Uncertain significance (1 of 4 stars; one submission).

Conditions:
IFT172-related disorder. Also called: IFT172-related condition; IFT172-related disorders.

gnomAD v4.1: 1 of 1,613,668 alleles (0.000062%); highest among the groups gnomAD compares: African/African-American, 0.0013%; no homozygotes.

Submission:

PreventionGenetics, part of Exact Sciences
Classification: Uncertain significance for IFT172-related condition. Last evaluated: 2025-05-07. Review status: criteria provided, single submitter. Criteria: ACMG Guidelines, 2015. Collection method: clinical testing. Allele origin: germline.
Comment: The IFT172 c.5201T>C variant is predicted to result in the amino acid substitution p.Ile1734Thr. To our knowledge, this variant has not been reported in the literature or in a large population database (gnomAD), indicating this variant is rare. At this time, the clinical significance of this variant is uncertain due to the absence of conclusive functional and genetic evidence.